The following is an entry in ClinVar:

ClinVar aggregate classification (germline): Likely benign. Review status: criteria provided, multiple submitters, no conflicts (2 of 4 stars). 3 submissions from 3 submitters: Likely benign (3). Last evaluated 2023-06-12.

Conditions:
Familial acute necrotizing encephalopathy (IIAE3). Also called: Susceptibility to Acute Necrotizing Encephalopathy 1; ENCEPHALOPATHY, ACUTE, INFECTION-INDUCED, SUSCEPTIBILITY TO, 3. Identifiers: Orphanet 88619, MedGen C2675556, MONDO:0011953, OMIM 608033.

Allele frequency attached by ClinVar (database versions not stated): gnomAD 0.00019; 1000 Genomes Project 30x 0.00047; 1000 Genomes Project 0.00060.
gnomAD v4.1: 125 of 1,611,788 alleles (0.0078%); highest among the groups gnomAD compares: African/African-American, 0.053%; 3 homozygotes.

Submissions (3):

Blueprint Genetics
Classification: Likely benign. Last evaluated: 2023-06-12. Review status: criteria provided, single submitter. Criteria: ACMG Guidelines, 2015. Collection method: clinical testing. Allele origin: germline.

CeGaT Center for Human Genetics Tuebingen
Classification: Likely benign. Last evaluated: 2022-12-01. Review status: criteria provided, single submitter. Criteria: CeGaT Center For Human Genetics Tuebingen Variant Classification Criteria Version 2. Collection method: clinical testing. Allele origin: germline. Affected: yes. Observed: 1 variant allele.
Comment: RANBP2: BP4, BP7

Labcorp Genetics (formerly Invitae), Labcorp
Classification: Likely benign for Familial acute necrotizing encephalopathy. Last evaluated: 2022-03-19. Review status: criteria provided, single submitter. Criteria: Invitae Variant Classification Sherloc (09022015). Collection method: clinical testing. Allele origin: germline.

NM_006267.5(RANBP2):c.2340G>A (p.Pro780=)

Gene: RANBP2 (RAN binding protein 2; plus strand). Cytogenetic location: 2q13.
Variant type: single nucleotide variant.
Coding change: c.2340G>A on transcript NM_006267.5 (MANE Select); coding-DNA position 2340, G replaced by A.
Protein change: p.Pro780=; no amino-acid change (proline 780 retained).
Molecular consequence: synonymous variant.
Genome position (GRCh38, 1-based): chr2:108,755,042, G>A. VCF-style: chr2-108755042-G-A. GRCh37 (hg19) VCF-style: chr2-109371498-G-A.
Identifiers: ClinVar variation 772169 (VCV000772169.31), dbSNP rs2912839, ClinGen allele CA1822638.
Genomic context (GRCh38, chr2:108,755,042, plus strand): 5'-TCCTCTCTATAAAAATGGTTCTTTGCGAAATGCAGATTCAGAAATAAAACATTCTACACC[G>A]TCTCCTACCAGATATTCACTATCACCAAGTAAAAGTTACAAGGTAAACAGGAAAGAATGG-3'
Protein context (NP_006258.3, residues 770-790): NADSEIKHST[Pro780=]SPTRYSLSPS